The following is an entry in ClinVar:

ClinVar aggregate classification (germline): Uncertain significance (1 of 4 stars; one submission).

gnomAD v4.1: 6 of 1,598,876 alleles (0.00038%); highest among the groups gnomAD compares: African/African-American, 0.0013%; no homozygotes.

Submission:

Labcorp Genetics (formerly Invitae), Labcorp
Classification: Uncertain significance. Last evaluated: 2024-12-12. Review status: criteria provided, single submitter. Criteria: Invitae Variant Classification Sherloc (09022015). Collection method: clinical testing. Allele origin: germline.
Comment: This sequence change replaces alanine, which is neutral and non-polar, with valine, which is neutral and non-polar, at codon 234 of the CAPN5 protein (p.Ala234Val). This variant is present in population databases (no rsID available, gnomAD 0.007%). This variant has not been reported in the literature in individuals affected with CAPN5-related conditions. An algorithm developed to predict the effect of missense changes on protein structure and function (PolyPhen-2) suggests that this variant is likely to be tolerated. In summary, the available evidence is currently insufficient to determine the role of this variant in disease. Therefore, it has been classified as a Variant of Uncertain Significance.

NM_004055.5(CAPN5):c.701C>T (p.Ala234Val)

Gene: CAPN5 (calpain 5; plus strand). Cytogenetic location: 11q13.5.
Variant type: single nucleotide variant.
Coding change: c.701C>T on transcript NM_004055.5 (MANE Select); coding-DNA position 701, C replaced by T.
Protein change: p.Ala234Val; replaces alanine 234 with valine.
Molecular consequence: missense variant. On other transcripts: non-coding transcript variant (1).
Genome position (GRCh38, 1-based): chr11:77,115,396, C>T. VCF-style: chr11-77115396-C-T. GRCh37 (hg19) VCF-style: chr11-76826442-C-T.
Other names: c.821C>T, p.Ala274Val (NM_001425321.1); c.701C>T, p.Ala234Val (NM_001425322.1); c.569C>T, p.Ala190Val (NM_001425323.1); short protein forms A190V, A234V, A274V.
Identifiers: ClinVar variation 3681944 (VCV003681944.2).